The following is an entry in ClinVar:

NM_001354483.2(CSGALNACT1):c.1341C>T (p.Gly447=)

Gene: CSGALNACT1 (chondroitin sulfate N-acetylgalactosaminyltransferase 1; minus strand). Cytogenetic location: 8p21.3.
Variant type: single nucleotide variant.
Coding change: c.1341C>T on transcript NM_001354483.2 (MANE Select); coding-DNA position 1341, C replaced by T.
Protein change: p.Gly447=; no amino-acid change (glycine 447 retained).
Molecular consequence: synonymous variant. On other transcripts: non-coding transcript variant (7).
Genome position (GRCh38, 1-based): chr8:19,406,038, G>A on the plus strand (C>T on the coding strand, the complement: CSGALNACT1 is on the minus strand). VCF-style: chr8-19406038-G-A. GRCh37 (hg19) VCF-style: chr8-19263549-G-A.
Other names: c.1341C>T, p.Gly447= (NM_001130518.2, NM_001354475.2, NM_001354476.2 and 18 more transcripts); c.1341C>T (NM_001130518.1).
Identifiers: ClinVar variation 2085362 (VCV002085362.5), dbSNP rs372706057, ClinGen allele CA4653792.

ClinVar aggregate classification (germline): Likely benign. Review status: criteria provided, multiple submitters, no conflicts (2 of 4 stars). 2 submissions from 2 submitters: Likely benign (2). Last evaluated 2025-10-27.

Conditions:
CSGALNACT1-related disorder. Also called: CSGALNACT1-related condition.

Allele frequency attached by ClinVar (database versions not stated): ESP Exome Variant Server 0.00015; ExAC 0.00022.
gnomAD v4.1: 250 of 1,614,160 alleles (0.015%); highest among the groups gnomAD compares: Non-Finnish European, 0.018%; no homozygotes.

Submissions (2):

Labcorp Genetics (formerly Invitae), Labcorp
Classification: Likely benign. Last evaluated: 2025-10-27. Review status: criteria provided, single submitter. Criteria: Invitae Variant Classification Sherloc (09022015). Collection method: clinical testing. Allele origin: germline.

PreventionGenetics, part of Exact Sciences
Classification: Likely benign for CSGALNACT1-related condition. Last evaluated: 2025-02-26. Review status: criteria provided, single submitter. Criteria: ACMG Guidelines, 2015. Collection method: clinical testing. Allele origin: germline.
Comment: This variant is classified as likely benign based on ACMG/AMP sequence variant interpretation guidelines (Richards et al. 2015 PMID: 25741868, with internal and published modifications).